The following is an entry in ClinVar:

ClinVar aggregate classification (germline): Likely benign (0 of 4 stars; one submission).

Conditions:
JARID2-related disorder. Also called: JARID2-related condition.

Allele frequency attached by ClinVar (database versions not stated): ESP Exome Variant Server 0.00031; gnomAD exomes 0.00040; ExAC 0.00054; gnomAD 0.00056; TOPMed 0.00062; 1000 Genomes Project 30x 0.00078; 1000 Genomes Project 0.00080.
gnomAD v4.1: 692 of 1,613,688 alleles (0.043%); highest among the groups gnomAD compares: East Asian, 0.24%; 1 homozygote.

Submission:

PreventionGenetics, part of Exact Sciences
Classification: Likely benign for JARID2-related condition. Last evaluated: 2022-07-28. Review status: no assertion criteria provided. Collection method: clinical testing. Allele origin: germline.
Comment: This variant is classified as likely benign based on ACMG/AMP sequence variant interpretation guidelines (Richards et al. 2015 PMID: 25741868, with internal and published modifications).

NM_004973.4(JARID2):c.1214A>G (p.Asn405Ser)

Gene: JARID2 (jumonji and AT-rich interaction domain containing 2; plus strand). Cytogenetic location: 6p22.3.
Variant type: single nucleotide variant.
Coding change: c.1214A>G on transcript NM_004973.4 (MANE Select); coding-DNA position 1214, A replaced by G.
Protein change: p.Asn405Ser; replaces asparagine 405 with serine.
Molecular consequence: missense variant.
Genome position (GRCh38, 1-based): chr6:15,496,439, A>G. VCF-style: chr6-15496439-A-G. GRCh37 (hg19) VCF-style: chr6-15496670-A-G.
Other names: c.698A>G, p.Asn233Ser (NM_001267040.1); short protein forms N233S, N405S.
Identifiers: ClinVar variation 3040938 (VCV003040938.2), dbSNP rs151240501, ClinGen allele CA3642816.